The following is an entry in ClinVar:

ClinVar aggregate classification (germline): Pathogenic (1 of 4 stars; one submission).

Conditions:
Orthostatic hypotension 1 (ORTHYP1). Also called: Orthostatic hypotension 1, due to DBH deficiency; NORADRENALINE DEFICIENCY; NOREPINEPHRINE DEFICIENCY; Dopamine beta-hydroxylase deficiency. Identifiers: Orphanet 230, MedGen C4746777, MONDO:0009123, OMIM 223360.

Submission:

Labcorp Genetics (formerly Invitae), Labcorp
Classification: Pathogenic for Orthostatic hypotension 1. Last evaluated: 2022-11-14. Review status: criteria provided, single submitter. Criteria: Invitae Variant Classification Sherloc (09022015). Collection method: clinical testing. Allele origin: germline.
Comment: For these reasons, this variant has been classified as Pathogenic. This variant has not been reported in the literature in individuals affected with DBH-related conditions. This variant is a gross deletion of the genomic region encompassing exon(s) 1-2 of the DBH gene, which includes the initiator codon. This deletion extends beyond the assayed region for this gene and therefore may encompass additional genes. It is expected to result in an absent or disrupted protein product. Loss-of-function variants in DBH are known to be pathogenic (PMID: 7715704, 15060114).

Literature cited by the submitters: PubMed 7715704; PubMed 15060114.

NC_000009.11:g.(?_136501494)_(136505134_?)del

Gene: DBH (dopamine beta-hydroxylase; plus strand). Cytogenetic location: 9q34.2.
Variant type: Deletion.
Identifiers: ClinVar variation 2423393 (VCV002423393.6).